The following is an entry in ClinVar:

ClinVar aggregate classification (germline): Uncertain significance (1 of 4 stars; one submission).

gnomAD v4.1: 7 of 765,312 alleles (0.00091%); highest among the groups gnomAD compares: Non-Finnish European, 0.0017%; no homozygotes.

Submission:

GeneDx
Classification: Uncertain significance. Last evaluated: 2023-11-20. Review status: criteria provided, single submitter. Criteria: GeneDx Variant Classification Process June 2021. Collection method: clinical testing. Allele origin: germline. Affected: yes.
Comment: Changes the Watson-Crick match to a mismatch at a position where a Watson-Crick match is not conserved, which is not expected to affect the secondary structure/function; Located in a stem of the SNORD118 non-coding RNA; Has not been previously published as pathogenic or benign to our knowledge; This variant is associated with the following publications: (PMID: 32359472)

NR_033294.2(SNORD118):n.58A>C

Genes: SNORD118 (small nucleolar RNA, C/D box 118; minus strand), TMEM107 (transmembrane protein 107; minus strand). Cytogenetic location: 17p13.1.
Variant type: single nucleotide variant.
Molecular consequence: non-coding transcript variant (on NR_033294.2). On other transcripts: 3 prime UTR variant (5).
Genome position: GRCh38 VCF-style: chr17-8173531-T-G. GRCh37 (hg19) VCF-style: chr17-8076849-T-G.
Other names: c.*672A>C (NM_001351278.2, NM_001351279.2, NM_001351280.2 and 2 more transcripts).
Identifiers: ClinVar variation 3364697 (VCV003364697.1).
Genomic context (GRCh38, chr17:8,173,531, plus strand): 5'-AGGGTGTTGCAAGTCCTGATTACGCAGAGACGTTAATCACGTTTCATGCATCTCCAATCA[T>G]CATGTTCTAATCTGCCCTCCGGAGGAGGAACAGGTAAGGATTATCCCACCTGACGATACA-3'